The following is an entry in ClinVar:

ClinVar aggregate classification (germline): Pathogenic. Review status: criteria provided, multiple submitters, no conflicts (2 of 4 stars). 2 submissions from 2 submitters: Pathogenic (2). Last evaluated 2026-03-17.

Conditions:
Fanconi anemia complementation group J. Also called: BRIP1-Related Fanconi Anemia. Identifiers: Orphanet 84, MedGen C1836860, MONDO:0012187, OMIM 609054.
Familial cancer of breast. Also called: BREAST CANCER, FAMILIAL; Hereditary breast cancer; hereditary breast carcinoma. Identifiers: Orphanet 227535, MedGen C0346153, MONDO:0016419, OMIM 114480. Disease mechanism: loss of function.
Hereditary cancer-predisposing syndrome. Also called: Hereditary neoplastic syndrome; Neoplastic Syndromes, Hereditary; Tumor predisposition; Hereditary Cancer Syndrome. Identifiers: Orphanet 140162, MedGen C0027672, MeSH D009386, MONDO:0015356.

Submissions (2):

Ambry Genetics
Classification: Pathogenic for Hereditary cancer-predisposing syndrome. Last evaluated: 2026-03-17. Review status: criteria provided, single submitter. Criteria: Ambry Variant Classification Scheme 2023. Collection method: clinical testing. Allele origin: germline.
Comment: The c.1224_1225delCA pathogenic mutation, located in coding exon 8 of the BRIP1 gene, results from a deletion of two nucleotides at nucleotide positions 1224 to 1225, causing a translational frameshift with a predicted alternate stop codon (p.Y408*). This variant is considered to be rare based on population cohorts in the Genome Aggregation Database (gnomAD). This variant is expected to result in loss of function by premature protein truncation or nonsense-mediated mRNA decay. As such, this variant is interpreted as a disease-causing mutation.

Labcorp Genetics (formerly Invitae), Labcorp
Classification: Pathogenic for Familial cancer of breast; Fanconi anemia complementation group J. Last evaluated: 2026-01-26. Review status: criteria provided, single submitter. Criteria: Invitae Variant Classification Sherloc (09022015). Collection method: clinical testing. Allele origin: germline.
Comment: This sequence change creates a premature translational stop signal (p.Tyr408*) in the BRIP1 gene. It is expected to result in an absent or disrupted protein product. Loss-of-function variants in BRIP1 are known to be pathogenic (PMID: 16116423, 17033622, 21964575). This variant is not present in population databases (gnomAD no frequency). This variant has not been reported in the literature in individuals affected with BRIP1-related conditions. For these reasons, this variant has been classified as Pathogenic.

Literature cited by the submitters: PubMed 16116423 (cited by Labcorp Genetics (formerly Invitae), Labcorp); PubMed 17033622 (cited by Labcorp Genetics (formerly Invitae), Labcorp); PubMed 21964575 (cited by Labcorp Genetics (formerly Invitae), Labcorp).

NM_032043.3(BRIP1):c.1224_1225del (p.Tyr408_Ser409delinsTer)

Gene: BRIP1 (BRCA1 interacting DNA helicase 1; minus strand). Cytogenetic location: 17q23.2.
Variant type: Deletion.
Coding change: c.1224_1225del on transcript NM_032043.3 (MANE Select); coding-DNA positions 1224 to 1225, 2 bases deleted (CA; older notation c.1224_1225delCA).
Protein change: p.Tyr408_Ser409delinsTer.
Molecular consequence: nonsense.
Genome position (GRCh38, 1-based): chr17:61,799,215-61,799,216, TG deleted on the plus strand (CA on the coding strand, the reverse complement: BRIP1 is on the minus strand); deleting any 2 consecutive bases within chr17:61,799,215-61,799,217 gives the same sequence; the c. name uses the placement nearest the transcript's 3' end. VCF-style (leftmost placement, unchanged base first): chr17-61799214-CTG-C. GRCh37 (hg19) VCF-style: chr17-59876575-CTG-C.
Other names: c.1224_1225delCA (NM_032043.2).
Identifiers: ClinVar variation 4787369 (VCV004787369.2).